The following is an entry in ClinVar:

ClinVar aggregate classification (germline): Benign. Review status: criteria provided, single submitter (1 of 4 stars). 2 submissions from 2 submitters: Benign (1). 1 of the submissions does not count toward it. Last evaluated 2026-01-20.

Conditions:
CSGALNACT1-related disorder. Also called: CSGALNACT1-related condition.

Allele frequency attached by ClinVar (database versions not stated): gnomAD 0.00016 and 0.00019; 1000 Genomes Project 30x 0.00062; 1000 Genomes Project 0.00080.

Submissions (2):

Labcorp Genetics (formerly Invitae), Labcorp
Classification: Benign. Last evaluated: 2026-01-20. Review status: criteria provided, single submitter. Criteria: Invitae Variant Classification Sherloc (09022015). Collection method: clinical testing. Allele origin: germline.

PreventionGenetics, part of Exact Sciences
Classification: Likely benign for CSGALNACT1-related condition. Last evaluated: 2019-10-28. Review status: no assertion criteria provided. Collection method: clinical testing. Allele origin: germline. Not counted in ClinVar's aggregate classification.
Comment: This variant is classified as likely benign based on ACMG/AMP sequence variant interpretation guidelines (Richards et al. 2015 PMID: 25741868, with internal and published modifications).

NM_001354483.2(CSGALNACT1):c.61C>T (p.Leu21Phe)

Gene: CSGALNACT1 (chondroitin sulfate N-acetylgalactosaminyltransferase 1; minus strand). Cytogenetic location: 8p21.3.
Variant type: single nucleotide variant.
Coding change: c.61C>T on transcript NM_001354483.2 (MANE Select); coding-DNA position 61, C replaced by T.
Protein change: p.Leu21Phe; replaces leucine 21 with phenylalanine.
Molecular consequence: missense variant. On other transcripts: non-coding transcript variant (7).
Genome position (GRCh38, 1-based): chr8:19,505,774, G>A on the plus strand (C>T on the coding strand, the complement: CSGALNACT1 is on the minus strand). VCF-style: chr8-19505774-G-A. GRCh37 (hg19) VCF-style: chr8-19363285-G-A.
Other names: c.61C>T, p.Leu21Phe (NM_001130518.2, NM_001354475.2, NM_001354476.2 and 18 more transcripts); c.61C>T (NM_001130518.1); short protein forms L21F.
Identifiers: ClinVar variation 1599513 (VCV001599513.10), dbSNP rs78501171, ClinGen allele CA4654366.